The following is an entry in ClinVar:

NM_000487.6(ARSA):c.1397C>T (p.Ala466Val)

Gene: ARSA (arylsulfatase A; minus strand). Cytogenetic location: 22q13.33.
Variant type: single nucleotide variant.
Coding change: c.1397C>T on transcript NM_000487.6 (MANE Select); coding-DNA position 1397, C replaced by T.
Protein change: p.Ala466Val; replaces alanine 466 with valine.
Molecular consequence: missense variant.
Genome position (GRCh38, 1-based): chr22:50,625,278, G>A on the plus strand (C>T on the coding strand, the complement: ARSA is on the minus strand). VCF-style: chr22-50625278-G-A. GRCh37 (hg19) VCF-style: chr22-51063706-G-A.
Other names: c.1397C>T, p.Ala466Val (NM_001085425.3, NM_001085426.3, NM_001085427.3); c.1139C>T, p.Ala380Val (NM_001085428.3, NM_001362782.2); short protein forms A466V, A380V.
Identifiers: ClinVar variation 282932 (VCV000282932.12), dbSNP rs763065602, ClinGen allele CA10324735.

ClinVar aggregate classification (germline): Uncertain significance; other. Review status: criteria provided, multiple submitters, no conflicts (2 of 4 stars). 3 submissions from 3 submitters: Uncertain significance (2). Last evaluated 2024-12-03.

Conditions:
Metachromatic leukodystrophy (MLD). Also called: ARSA DEFICIENCY; CEREBROSIDE SULFATASE DEFICIENCY; Cerebral sclerosis diffuse metachromatic form; Arylsulfatase A Deficiency; METACHROMATIC LEUKOENCEPHALOPATHY; SULFATIDE LIPIDOSIS. Identifiers: Orphanet 512, MedGen C0023522, MONDO:0018868, OMIM 250100.

Allele frequency attached by ClinVar (database versions not stated): gnomAD exomes below 0.00001; ExAC 0.00001.
gnomAD v4.1: 4 of 1,612,946 alleles (0.00025%); highest among the groups gnomAD compares: Non-Finnish European, 0.00025%; no homozygotes.

Submissions (3):

Women's Health and Genetics/Laboratory Corporation of America, LabCorp
Classification: Uncertain significance. Last evaluated: 2024-12-03. Review status: criteria provided, single submitter. Criteria: LabCorp Variant Classification Summary - May 2015. Collection method: clinical testing. Allele origin: germline.
Comment: Variant summary: ARSA c.1397C>T (p.Ala466Val) results in a non-conservative amino acid change in the encoded protein sequence. Two of four in-silico tools predict a benign effect of the variant on protein function. The variant allele was found at a frequency of 4e-06 in 249664 control chromosomes (gnomAD). The available data on variant occurrences in the general population are insufficient to allow any conclusion about variant significance. c.1397C>T has been reported in the literature in trans with a pathogenic variant in related individuals who presented ARSA and GS values within the range of Metachromatic Leukodystrophy patients but were apparently healthy, while it did not segregate in a member of the family who presented with late infantile MLD (Berger_1999). This report does not provide unequivocal conclusions about association of the variant with Metachromatic Leukodystrophy. To our knowledge, no experimental evidence demonstrating an impact on protein function has been reported. The following publication has been ascertained in the context of this evaluation (PMID: 9888390). ClinVar contains an entry for this variant (Variation ID: 282932). Based on the evidence outlined above, the variant was classified as uncertain significance.

Labcorp Genetics (formerly Invitae), Labcorp
Classification: Uncertain significance for Metachromatic leukodystrophy. Last evaluated: 2022-02-13. Review status: criteria provided, single submitter. Criteria: Invitae Variant Classification Sherloc (09022015). Collection method: clinical testing. Allele origin: germline.
Comment: This sequence change replaces alanine, which is neutral and non-polar, with valine, which is neutral and non-polar, at codon 466 of the ARSA protein (p.Ala466Val). This variant is present in population databases (rs763065602, gnomAD 0.0009%). This variant has not been reported in the literature in individuals affected with ARSA-related conditions. This variant is also known as A464V. ClinVar contains an entry for this variant (Variation ID: 282932). Advanced modeling of protein sequence and biophysical properties (such as structural, functional, and spatial information, amino acid conservation, physicochemical variation, residue mobility, and thermodynamic stability) performed at Invitae indicates that this missense variant is expected to disrupt ARSA protein function. In summary, the available evidence is currently insufficient to determine the role of this variant in disease. Therefore, it has been classified as a Variant of Uncertain Significance.

Eurofins Ntd Llc (ga)
Classification: other. Last evaluated: 2015-08-25. Review status: criteria provided, single submitter. Criteria: EGL Classification Definitions 2015. Collection method: clinical testing. Allele origin: germline. Observed: 1 variant allele, 1 heterozygote.

Literature cited by the submitters: PubMed 9888390 (cited by Women's Health and Genetics/Laboratory Corporation of America, LabCorp).